The following is an entry in ClinVar:

ClinVar aggregate classification (germline): Pathogenic (1 of 4 stars; one submission).

Conditions:
Hypohidrotic X-linked ectodermal dysplasia (XHED). Also called: Christ-Siemans-Touraine syndrome; ECTODERMAL DYSPLASIA, HYPOHIDROTIC, 1; CST SYNDROME; Ectodermal Dysplasia 1, Anhidrotic; ECTODERMAL DYSPLASIA 1, HYPOHIDROTIC/HAIR/TOOTH TYPE, X-LINKED; Anhidrotic ectodermal dysplasia X-linked. Identifiers: Orphanet 181, Orphanet 238468, MedGen C0162359, MONDO:0010585, OMIM 305100.

Submission:

Laboratory for Molecular Medicine, Mass General Brigham Personalized Medicine
Classification: Pathogenic for Hypohidrotic X-linked ectodermal dysplasia. Last evaluated: 2013-09-20. Review status: criteria provided, single submitter. Criteria: LMM Criteria. Collection method: clinical testing. Allele origin: germline. Inheritance: X-linked inheritance. Observed: 1 variant allele.
Comment: The Val270fs variant in EDA has not been reported in the literature nor previous ly identified by our laboratory. This frameshift variant is predicted to alter the protein?s amino acid sequence beginning at position 270 and lead to a premat ure termination codon 10 amino acids downstream. This alteration is then predict ed to lead to a truncated or absent protein. Heterozygous loss of function of fu nction of the EDA gene is an established disease mechanism in XLHED. In summary, this variant meets our criteria to be classified as pathogenic.

NM_001399.5(EDA):c.809del (p.Val270fs)

Gene: EDA (ectodysplasin A; plus strand). Cytogenetic location: Xq13.1.
Variant type: Deletion.
Coding change: c.809del on transcript NM_001399.5 (MANE Select); coding-DNA position 809, one base deleted (T; older notation c.809delT).
Protein change: p.Val270fs; shifts the reading frame from valine 270.
Molecular consequence: frameshift variant.
Genome position (GRCh38, 1-based): chrX:70,033,413, T deleted. VCF-style (leftmost placement, unchanged base first): chrX-70033412-GT-G. GRCh37 (hg19) VCF-style: chrX-69253262-GT-G.
Other names: c.809del, p.Val270fs (NM_001005609.2); c.800del, p.Val267fs (NM_001005612.3); short protein forms V267fs, V270fs.
Identifiers: ClinVar variation 163320 (VCV000163320.4), dbSNP rs727503008, ClinGen allele CA273143.
Genomic context (GRCh38, chrX:70,033,412, plus strand): 5'-GATTATTCTGACATGTACTGAGTGACTGCCCTTCTCTCATACTGAGATCTTTCAGGTGGA[GT>G]GCTCAATGACTGGTCTCGCATCACTATGAACCCCAAGGTGTTTAAGCTACATCCCCGCAG-3'